The following is an entry in ClinVar:

ClinVar aggregate classification (germline): Likely pathogenic. Review status: criteria provided, multiple submitters, no conflicts (2 of 4 stars). 3 submissions from 3 submitters: Likely pathogenic (3). Last evaluated 2019-05-01.

Conditions:
Inborn genetic diseases. Identifiers: MedGen C0950123, MeSH D030342.
Intellectual disability, X-linked 102 (MRXSSB). Also called: Intellectual developmental disorder, X-linked syndromic, Snijders Blok type. Identifiers: Orphanet 457260, MedGen C5393299, MONDO:0010497, OMIM 300958.

Submissions (3):

Ambry Genetics
Classification: Likely pathogenic for Inborn genetic diseases. Last evaluated: 2019-05-01. Review status: criteria provided, single submitter. Criteria: Ambry Variant Classification Scheme 2023. Collection method: clinical testing. Allele origin: germline.
Comment: The p.H472R variant (also known as c.1415A>G), located in coding exon 13 of the DDX3X gene, results from an A to G substitution at nucleotide position 1415. The histidine at codon 472 is replaced by arginine, an amino acid with highly similar properties. This variant has been determined to be the result of a de novo mutation or germline mosaicism in one family with an isolated case of DDX3X-related neurodevelopmental disorder (Ambry internal data). This variant is located in the helicase c-terminal domain and based on internal structural analysis is anticipated to result in a significant decrease in structural stability (Ambry internal data; Floor SN et al. J. Biol. Chem., 2016 Jan;291:2412-21). This variant was not reported in population-based cohorts in the Genome Aggregation Database (gnomAD). This amino acid position is highly conserved in available vertebrate species. In addition, this alteration is predicted to be deleterious by in silico analysis. Based on the majority of available evidence to date, this variant is likely to be pathogenic.

Juno Genomics, Hangzhou Juno Genomics, Inc
Classification: Likely pathogenic for Intellectual disability, X-linked 102. Review status: criteria provided, single submitter. Criteria: ACMG Guidelines, 2015. Collection method: clinical testing. Allele origin: germline. Affected: yes.
Comment: Absent from controls (or at extremely low frequency if recessive) in Genome Aggregation Database, Exome Sequencing Project, 1000 Genomes Project, or Exome Aggregation Consortium.;Multiple lines of computational evidence support a deleterious effect on the gene or gene product (conservation, evolutionary, splicing impact, etc).;The prevalence of the variant in affected individuals is significantly increased compared to the prevalence in controls.;Assumed de novo, but without confirmation of paternity and maternity.;Located in a mutational hot spot and/or critical and well-established functional domain (e.g. active site of an enzyme) without benign variation.

Suma Genomics
Classification: Likely pathogenic for Intellectual disability, X-linked 102. Review status: criteria provided, single submitter. Criteria: ACMG Guidelines, 2015. Collection method: clinical testing. Allele origin: unknown. Inheritance: X-linked inheritance. Affected: yes.

Literature cited by the submitters: PubMed 26598523 (cited by Ambry Genetics).

NM_001356.5(DDX3X):c.1415A>G (p.His472Arg)

Gene: DDX3X (DEAD-box helicase 3 X-linked; plus strand). Cytogenetic location: Xp11.4.
Variant type: single nucleotide variant.
Coding change: c.1415A>G on transcript NM_001356.5 (MANE Select); coding-DNA position 1415, A replaced by G.
Protein change: p.His472Arg; replaces histidine 472 with arginine.
Molecular consequence: missense variant. On other transcripts: non-coding transcript variant (1).
Genome position (GRCh38, 1-based): chrX:41,346,328, A>G. VCF-style: chrX-41346328-A-G. GRCh37 (hg19) VCF-style: chrX-41205581-A-G.
Other names: c.1415A>G, p.His472Arg (NM_001193416.3); c.1367A>G, p.His456Arg (NM_001193417.3); c.857A>G, p.His286Arg (NM_001363819.1); c.1415A>G (NM_001356.3); short protein forms H286R, H456R, H472R.
Identifiers: ClinVar variation 1341528 (VCV001341528.5), dbSNP rs2063923221, ClinGen allele CA412775212.